The following is an entry in ClinVar:

ClinVar aggregate classification (germline): Uncertain significance (1 of 4 stars; one submission).

Submission:

Labcorp Genetics (formerly Invitae), Labcorp
Classification: Uncertain significance. Last evaluated: 2025-05-19. Review status: criteria provided, single submitter. Criteria: Invitae Variant Classification Sherloc (09022015). Collection method: clinical testing. Allele origin: germline.
Comment: This sequence change falls in intron 5 of the ALDH6A1 gene. It does not directly change the encoded amino acid sequence of the ALDH6A1 protein. This variant is not present in population databases (gnomAD no frequency). This variant has not been reported in the literature in individuals affected with ALDH6A1-related conditions. ClinVar contains an entry for this variant (Variation ID: 3726304). Algorithms developed to predict the effect of sequence changes on RNA splicing suggest that this variant may disrupt the consensus splice site. In summary, the available evidence is currently insufficient to determine the role of this variant in disease. Therefore, it has been classified as a Variant of Uncertain Significance.

NM_005589.4(ALDH6A1):c.427+10G>A

Genes: ALDH6A1 (aldehyde dehydrogenase 6 family member A1; minus strand), BBOF1 (basal body orientation factor 1; plus strand). Cytogenetic location: 14q24.3.
Variant type: single nucleotide variant.
Coding change: c.427+10G>A on transcript NM_005589.4 (MANE Select); 10 bases into the intron after coding-DNA position 427, G replaced by A.
Molecular consequence: intron variant.
Genome position (GRCh38, 1-based): chr14:74,071,886, C>T on the plus strand (G>A on the coding strand, the complement: ALDH6A1 is on the minus strand). VCF-style: chr14-74071886-C-T. GRCh37 (hg19) VCF-style: chr14-74538589-C-T.
Other names: c.388+10G>A (NM_001278593.2); c.-199+10G>A (NM_001278594.2).
Identifiers: ClinVar variation 3726304 (VCV003726304.2).
Genomic context (GRCh38, chr14:74,071,886, plus strand): 5'-ATTCTGCGATCTTTGCCTCCCATCTTCCTTTGGTCCTTCCCAAAAGTCCCATAAGGGGCT[C>T]CCAGCTTACGAAGGCCTCGAAATACATCTCCTTCAGCATCAGCTAGGGTCTTCCCTTGTT-3'